The following is an entry in ClinVar:

NM_001330588.2(TPP2):c.3579+5C>T

Gene: TPP2 (tripeptidyl peptidase 2; plus strand). Cytogenetic location: 13q33.1.
Variant type: single nucleotide variant.
Coding change: c.3579+5C>T on transcript NM_001330588.2 (MANE Select); 5 bases into the intron after coding-DNA position 3579, C replaced by T.
Molecular consequence: intron variant.
Genome position (GRCh38, 1-based): chr13:102,674,495, C>T. VCF-style: chr13-102674495-C-T. GRCh37 (hg19) VCF-style: chr13-103326845-C-T.
Other names: c.3666+5C>T (NM_001367947.1); c.3540+5C>T (NM_003291.4).
Identifiers: ClinVar variation 1422496 (VCV001422496.6), dbSNP rs2139621634, ClinGen allele CA2573149475.

ClinVar aggregate classification (germline): Uncertain significance (1 of 4 stars; one submission).

Conditions:
Evans syndrome, immunodeficiency, and premature immunosenescence associated with tripeptidyl-peptidase II deficiency. Identifiers: MedGen CN231723. Disease mechanism: loss of function.

Allele frequency attached by ClinVar (database versions not stated): gnomAD exomes below 0.00001.
gnomAD v4.1: 6 of 1,613,312 alleles (0.00037%); highest among the groups gnomAD compares: Admixed American, 0.0033%; no homozygotes.

Submission:

Labcorp Genetics (formerly Invitae), Labcorp
Classification: Uncertain significance for Evans syndrome, immunodeficiency, and premature immunosenescence associated with tripeptidyl-peptidase II deficiency. Last evaluated: 2023-12-11. Review status: criteria provided, single submitter. Criteria: Invitae Variant Classification Sherloc (09022015). Collection method: clinical testing. Allele origin: germline.
Comment: This sequence change falls in intron 27 of the TPP2 gene. It does not directly change the encoded amino acid sequence of the TPP2 protein. It affects a nucleotide within the consensus splice site. This variant is not present in population databases (gnomAD no frequency). This variant has not been reported in the literature in individuals affected with TPP2-related conditions. ClinVar contains an entry for this variant (Variation ID: 1422496). Variants that disrupt the consensus splice site are a relatively common cause of aberrant splicing (PMID: 17576681, 9536098). Algorithms developed to predict the effect of sequence changes on RNA splicing suggest that this variant is not likely to affect RNA splicing. In summary, the available evidence is currently insufficient to determine the role of this variant in disease. Therefore, it has been classified as a Variant of Uncertain Significance.

Literature cited by the submitters: PubMed 17576681; PubMed 9536098.